The following is an entry in ClinVar:

NM_001100913.3(PACS2):c.2000+12G>A

Gene: PACS2 (phosphofurin acidic cluster sorting protein 2; plus strand). Cytogenetic location: 14q32.33.
Variant type: single nucleotide variant.
Coding change: c.2000+12G>A on transcript NM_001100913.3 (MANE Select); 12 bases into the intron after coding-DNA position 2000, G replaced by A.
Molecular consequence: intron variant.
Genome position (GRCh38, 1-based): chr14:105,384,999, G>A. VCF-style: chr14-105384999-G-A. GRCh37 (hg19) VCF-style: chr14-105851336-G-A.
Other names: c.1763+12G>A (NM_001243127.3); c.1988+12G>A (NM_015197.4).
Identifiers: ClinVar variation 1497240 (VCV001497240.6), dbSNP rs782663618, ClinGen allele CA7389080.

ClinVar aggregate classification (germline): Uncertain significance (1 of 4 stars; one submission).

Allele frequency attached by ClinVar (database versions not stated): ExAC 0.00004; gnomAD 0.00005 and 0.00006; gnomAD exomes 0.00007; TOPMed 0.00008.
gnomAD v4.1: 182 of 1,490,278 alleles (0.012%); highest among the groups gnomAD compares: Non-Finnish European, 0.017%; no homozygotes.

Submission:

Labcorp Genetics (formerly Invitae), Labcorp
Classification: Uncertain significance. Last evaluated: 2026-01-28. Review status: criteria provided, single submitter. Criteria: Invitae Variant Classification Sherloc (09022015). Collection method: clinical testing. Allele origin: germline.
Comment: This sequence change falls in intron 18 of the PACS2 gene. It does not directly change the encoded amino acid sequence of the PACS2 protein. This variant is present in population databases (rs782663618, gnomAD 0.01%). This variant has not been reported in the literature in individuals affected with PACS2-related conditions. ClinVar contains an entry for this variant (Variation ID: 1497240). Algorithms developed to predict the effect of sequence changes on RNA splicing suggest that this variant may create or strengthen a splice site. In summary, the available evidence is currently insufficient to determine the role of this variant in disease. Therefore, it has been classified as a Variant of Uncertain Significance.